The following is an entry in ClinVar:

ClinVar aggregate classification (germline): Uncertain significance (1 of 4 stars; one submission).

Submission:

Labcorp Genetics (formerly Invitae), Labcorp
Classification: Uncertain significance. Last evaluated: 2023-11-19. Review status: criteria provided, single submitter. Criteria: Invitae Variant Classification Sherloc (09022015). Collection method: clinical testing. Allele origin: germline.
Comment: This sequence change replaces glutamine, which is neutral and polar, with histidine, which is basic and polar, at codon 15 of the CAD protein (p.Gln15His). This variant is not present in population databases (gnomAD no frequency). This variant has not been reported in the literature in individuals affected with CAD-related conditions. Advanced modeling of protein sequence and biophysical properties (such as structural, functional, and spatial information, amino acid conservation, physicochemical variation, residue mobility, and thermodynamic stability) performed at Invitae indicates that this missense variant is not expected to disrupt CAD protein function with a negative predictive value of 80%. In summary, the available evidence is currently insufficient to determine the role of this variant in disease. Therefore, it has been classified as a Variant of Uncertain Significance.

NM_004341.5(CAD):c.45G>T (p.Gln15His)

Gene: CAD (carbamoyl-phosphate synthetase 2, aspartate transcarbamylase, and dihydroorotase; plus strand). Cytogenetic location: 2p23.3.
Variant type: single nucleotide variant.
Coding change: c.45G>T on transcript NM_004341.5 (MANE Select); coding-DNA position 45, G replaced by T.
Protein change: p.Gln15His; replaces glutamine 15 with histidine.
Molecular consequence: missense variant.
Genome position (GRCh38, 1-based): chr2:27,217,596, G>T. VCF-style: chr2-27217596-G-T. GRCh37 (hg19) VCF-style: chr2-27440464-G-T.
Other names: c.45G>T, p.Gln15His (NM_001306079.2); short protein forms Q15H.
Identifiers: ClinVar variation 2697526 (VCV002697526.3), dbSNP rs2465270671, ClinGen allele CA346195908.